The following is an entry in ClinVar:

ClinVar aggregate classification (germline): Uncertain significance (1 of 4 stars; one submission).

Conditions:
Ehlers-Danlos syndrome, classic type, 1 (EDSCL1). Also called: EHLERS-DANLOS SYNDROME, GRAVIS TYPE; EHLERS-DANLOS SYNDROME, SEVERE CLASSIC TYPE; Ehlers-Danlos syndrome, type 1; EDS I; Ehlers-Danlos Syndrome, Classic Type, COL5A1-Related. Identifiers: MedGen C0268335, MONDO:0019567, OMIM 130000.

Submission:

Labcorp Genetics (formerly Invitae), Labcorp
Classification: Uncertain significance for Ehlers-Danlos syndrome, classic type, 1. Last evaluated: 2021-12-15. Review status: criteria provided, single submitter. Criteria: Invitae Variant Classification Sherloc (09022015). Collection method: clinical testing. Allele origin: germline.
Comment: This sequence change replaces proline, which is neutral and non-polar, with alanine, which is neutral and non-polar, at codon 400 of the COL5A2 protein (p.Pro400Ala). This variant is not present in population databases (gnomAD no frequency). This variant has not been reported in the literature in individuals affected with COL5A2-related conditions. Advanced modeling of protein sequence and biophysical properties (such as structural, functional, and spatial information, amino acid conservation, physicochemical variation, residue mobility, and thermodynamic stability) performed at Invitae indicates that this missense variant is not expected to disrupt COL5A2 protein function. In summary, the available evidence is currently insufficient to determine the role of this variant in disease. Therefore, it has been classified as a Variant of Uncertain Significance.

NM_000393.5(COL5A2):c.1198C>G (p.Pro400Ala)

Gene: COL5A2 (collagen type V alpha 2 chain; minus strand). Cytogenetic location: 2q32.2.
Variant type: single nucleotide variant.
Coding change: c.1198C>G on transcript NM_000393.5 (MANE Select); coding-DNA position 1198, C replaced by G.
Protein change: p.Pro400Ala; replaces proline 400 with alanine.
Molecular consequence: missense variant.
Genome position (GRCh38, 1-based): chr2:189,068,845, G>C on the plus strand (C>G on the coding strand, the complement: COL5A2 is on the minus strand). VCF-style: chr2-189068845-G-C. GRCh37 (hg19) VCF-style: chr2-189933571-G-C.
Other names: short protein forms P400A.
Identifiers: ClinVar variation 2044005 (VCV002044005.1), dbSNP rs2469314359, ClinGen allele CA349853734.